The following is an entry in ClinVar:

ClinVar aggregate classification (germline): Likely pathogenic (1 of 4 stars; one submission).

Conditions:
Hereditary cancer-predisposing syndrome. Also called: Neoplastic Syndromes, Hereditary; Tumor predisposition; Hereditary Cancer Syndrome; Hereditary neoplastic syndrome. Identifiers: Orphanet 140162, MedGen C0027672, MeSH D009386, MONDO:0015356.

Submission:

Ambry Genetics
Classification: Likely pathogenic for Hereditary cancer-predisposing syndrome. Last evaluated: 2021-08-02. Review status: criteria provided, single submitter. Criteria: Ambry Variant Classification Scheme 2023. Collection method: clinical testing. Allele origin: germline.
Comment: The c.3791_3801+25del36 variant results from a deletion of 36 nucleotides between positions 3791 and 3801+25 and involves the canonical splice donor site after coding exon 8 of the MSH6 gene. This variant is considered to be rare based on population cohorts in the Genome Aggregation Database (gnomAD). The canonical splice donor site is conserved through mammals. In silico splice site analysis predicts that this alteration will weaken the native splice donor site; however, direct evidence is unavailable. Alterations that disrupt the canonical splice site are expected to cause aberrant splicing, resulting in an abnormal protein or a transcript that is subject to nonsense-mediated mRNA decay. As such, this alteration is classified as likely pathogenic.

NM_000179.3(MSH6):c.3791_3801+25del

Gene: MSH6 (mutS homolog 6; plus strand). Cytogenetic location: 2p16.3.
Variant type: Deletion.
Coding change: c.3791_3801+25del on transcript NM_000179.3 (MANE Select); coding-DNA position 3791 through 25 bases into the intron after coding-DNA position 3801, 36 bases deleted.
Molecular consequence: splice donor variant.
Genome position (GRCh38, 1-based): chr2:47,806,348-47,806,383, 36 bases deleted; deleting any 36 consecutive bases within chr2:47,806,347-47,806,383 gives the same sequence; the c. name uses the placement nearest the transcript's 3' end. GRCh37 (hg19): chr2:48,033,487-48,033,522.
Other names: c.2885_2895+25del (NM_001281493.2, NM_001281494.2); c.3401_3411+25del (NM_001281492.2).
Identifiers: ClinVar variation 1734952 (VCV001734952.2), dbSNP rs2530849276, ClinGen allele CA2580067339.